The following is an entry in ClinVar:

NM_004482.4(GALNT3):c.1312C>G (p.Arg438Gly)

Gene: GALNT3 (polypeptide N-acetylgalactosaminyltransferase 3; minus strand). Cytogenetic location: 2q24.3.
Variant type: single nucleotide variant.
Coding change: c.1312C>G on transcript NM_004482.4 (MANE Select); coding-DNA position 1312, C replaced by G.
Protein change: p.Arg438Gly; replaces arginine 438 with glycine.
Molecular consequence: missense variant.
Genome position (GRCh38, 1-based): chr2:165,757,127, G>C on the plus strand (C>G on the coding strand, the complement: GALNT3 is on the minus strand). VCF-style: chr2-165757127-G-C. GRCh37 (hg19) VCF-style: chr2-166613637-G-C.
Other names: short protein forms R438G.
Identifiers: ClinVar variation 4536046 (VCV004536046.1).

ClinVar aggregate classification (germline): Uncertain significance (1 of 4 stars; one submission).

Submission:

Women's Health and Genetics/Laboratory Corporation of America, LabCorp
Classification: Uncertain significance. Last evaluated: 2025-09-23. Review status: criteria provided, single submitter. Criteria: LabCorp Variant Classification Summary - May 2015. Collection method: clinical testing. Allele origin: germline.
Comment: Variant summary: GALNT3 c.1312C>G (p.Arg438Gly) results in a non-conservative amino acid change in the encoded protein sequence. Algorithms developed to predict the effect of missense changes on protein structure and function all suggest that this variant is likely to be disruptive. The variant was absent in 251350 control chromosomes. To our knowledge, no occurrence of c.1312C>G in individuals affected with GALNT3-related conditions and no experimental evidence demonstrating its impact on protein function have been reported. Other variants affecting this codon has been classified likely pathogenic/pathogenic (examples: p.Arg438Cys ,p.Arg438His). No submitters have cited clinical-significance assessments for this variant to ClinVar. Based on the evidence outlined above, the variant was classified as VUS-possibly pathogenic.